The following is an entry in ClinVar:

ClinVar aggregate classification (germline): Uncertain significance (1 of 4 stars; one submission).

Conditions:
Wilms tumor 1 (WT1). Also called: Wilms tumor, somatic. Identifiers: Orphanet 654, MedGen CN033288, MONDO:0008679, OMIM 194070.

Submission:

All of Us Research Program, National Institutes of Health
Classification: Uncertain significance for Wilms tumor 1. Last evaluated: 2023-08-15. Review status: criteria provided, single submitter. Criteria: ACMG Guidelines, 2015. Collection method: clinical testing. Allele origin: germline. Inheritance: Autosomal dominant inheritance. Observed: 2 variant alleles, 2 heterozygotes.
Comment: This missense variant replaces alanine with aspartic acid at codon 46 of the WT1 protein. Computational prediction suggests that this variant may not impact protein structure and function (internally defined REVEL score threshold <= 0.5, PMID: 27666373). To our knowledge, functional studies have not been reported for this variant. This variant has not been reported in individuals affected with WT1-related disorders in the literature. This variant has not been identified in the general population by the Genome Aggregation Database (gnomAD). The available evidence is insufficient to determine the role of this variant in disease conclusively. Therefore, this variant is classified as a Variant of Uncertain Significance.

This study involves interpretation of variants in research participants for the purpose of population health screening. Participant phenotype was not available at the time of variant classification. Additional details can be found in publication PMID: 35346344, PMCID: PMC8962531

NM_024426.6(WT1):c.152C>A (p.Ala51Asp)

Genes: WT1 (WT1 transcription factor; minus strand), LOC107982234 (WT1/WT1-AS bi-directional promoter region; plus strand). Cytogenetic location: 11p13.
Variant type: single nucleotide variant.
Coding change: c.152C>A on transcript NM_024426.6 (MANE Select); coding-DNA position 152, C replaced by A.
Protein change: p.Ala51Asp; replaces alanine 51 with aspartic acid.
Molecular consequence: missense variant. On other transcripts: non-coding transcript variant (2).
Genome position (GRCh38, 1-based): chr11:32,435,209, G>T on the plus strand (C>A on the coding strand, the complement: WT1 is on the minus strand). VCF-style: chr11-32435209-G-T. GRCh37 (hg19) VCF-style: chr11-32456755-G-T.
Other names: c.152C>A, p.Ala51Asp (NM_000378.6, NM_001407044.1, NM_001407045.1 and 6 more transcripts); c.-68C>A (NM_001429031.1, NM_001429032.1, NM_001429033.1 and 1 more transcripts); c.137C>A, p.Ala46Asp (NM_024425.2); short protein forms A46D, A51D.
Identifiers: ClinVar variation 3072501 (VCV003072501.1), dbSNP rs2494487874, ClinGen allele CA379966274.